The following is an entry in ClinVar:

NM_001291303.3(FAT4):c.1099G>A (p.Val367Ile)

Gene: FAT4 (FAT atypical cadherin 4; plus strand). Cytogenetic location: 4q28.1.
Variant type: single nucleotide variant.
Coding change: c.1099G>A on transcript NM_001291303.3 (MANE Select); coding-DNA position 1099, G replaced by A.
Protein change: p.Val367Ile; replaces valine 367 with isoleucine.
Molecular consequence: missense variant.
Genome position (GRCh38, 1-based): chr4:125,317,510, G>A. VCF-style: chr4-125317510-G-A. GRCh37 (hg19) VCF-style: chr4-126238665-G-A.
Other names: c.1099G>A, p.Val367Ile (NM_001291285.3, NM_024582.6); c.1099G>A (NM_001291303.1); short protein forms V367I.
Identifiers: ClinVar variation 993351 (VCV000993351.23), dbSNP rs747531733, ClinGen allele CA3071916.

ClinVar aggregate classification (germline): Conflicting classifications of pathogenicity. Review status: criteria provided, conflicting classifications (1 of 4 stars). 6 submissions from 6 submitters: Uncertain significance (4); Likely benign (1). 1 of the submissions does not count toward it. Last evaluated 2026-01-01.

Conditions:
FAT4-related disorder. Also called: FAT4-related condition.
Hennekam lymphangiectasia-lymphedema syndrome 2 (HKLLS2). Identifiers: Orphanet 2136, MedGen C4014939, MONDO:0014454, OMIM 616006.
Van Maldergem syndrome 2 (VMLDS2). Identifiers: Orphanet 314679, MedGen C3809875, MONDO:0014242, OMIM 615546.
Inborn genetic diseases. Identifiers: MedGen C0950123, MeSH D030342.

Allele frequency attached by ClinVar (database versions not stated): ExAC 0.00009; gnomAD exomes 0.00009; gnomAD 0.00012 and 0.00013; TOPMed 0.00018.
gnomAD v4.1: 501 of 1,613,742 alleles (0.031%); highest among the groups gnomAD compares: Non-Finnish European, 0.036%; no homozygotes.

Submissions (6):

Labcorp Genetics (formerly Invitae), Labcorp
Classification: Likely benign. Last evaluated: 2026-01-01. Review status: criteria provided, single submitter. Criteria: Invitae Variant Classification Sherloc (09022015). Collection method: clinical testing. Allele origin: germline.

Ambry Genetics
Classification: Uncertain significance for Inborn genetic diseases. Last evaluated: 2024-08-28. Review status: criteria provided, single submitter. Criteria: Ambry Variant Classification Scheme 2023. Collection method: clinical testing. Allele origin: germline.

GeneDx
Classification: Uncertain significance. Last evaluated: 2022-11-28. Review status: criteria provided, single submitter. Criteria: GeneDx Variant Classification Process June 2021. Collection method: clinical testing. Allele origin: germline. Affected: yes.
Comment: In silico analysis supports that this missense variant does not alter protein structure/function; Has not been previously published as pathogenic or benign to our knowledge

Department of Pathology and Laboratory Medicine, Sinai Health System
Classification: Uncertain significance for Van Maldergem syndrome 2; Hennekam lymphangiectasia-lymphedema syndrome 2. Last evaluated: 2020-07-03. Review status: criteria provided, single submitter. Criteria: ACMG Guidelines, 2015. Collection method: research. Allele origin: germline.

ARUP Laboratories, Molecular Genetics and Genomics, ARUP Laboratories
Classification: Uncertain significance. Last evaluated: 2019-10-09. Review status: criteria provided, single submitter. Criteria: ARUP Molecular Germline Variant Investigation Process. Collection method: clinical testing. Allele origin: germline.
Comment: The FAT4 c.1099G>A; p.Val367Ile variant (rs747531733), to our knowledge, is not reported in the medical literature or gene specific databases. This variant is found in the general population with an overall allele frequency of 0.0086% (24/280332 alleles) in the Genome Aggregation Database. The valine at codon 367 is highly conserved, and computational analyses (SIFT, PolyPhen-2) predict that this variant is deleterious. Due to limited information, the clinical significance of the p.Val367Ile variant is uncertain at this time.

PreventionGenetics, part of Exact Sciences
Classification: Uncertain significance for FAT4-related condition. Last evaluated: 2023-11-22. Review status: no assertion criteria provided. Collection method: clinical testing. Allele origin: germline. Not counted in ClinVar's aggregate classification.
Comment: The FAT4 c.1099G>A variant is predicted to result in the amino acid substitution p.Val367Ile. To our knowledge, this variant has not been reported in the literature. This variant is reported in 0.016% of alleles in individuals of European (Non-Finnish) descent in gnomAD. At this time, the clinical significance of this variant is uncertain due to the absence of conclusive functional and genetic evidence.